The following is an entry in ClinVar:

NM_000532.5(PCCB):c.1207C>G (p.Gln403Glu)

Gene: PCCB (propionyl-CoA carboxylase subunit beta; plus strand). Cytogenetic location: 3q22.3.
Variant type: single nucleotide variant.
Coding change: c.1207C>G on transcript NM_000532.5 (MANE Select); coding-DNA position 1207, C replaced by G.
Protein change: p.Gln403Glu; replaces glutamine 403 with glutamic acid.
Molecular consequence: missense variant.
Genome position (GRCh38, 1-based): chr3:136,327,163, C>G. VCF-style: chr3-136327163-C-G. GRCh37 (hg19) VCF-style: chr3-136046005-C-G.
Other names: c.1267C>G, p.Gln423Glu (NM_001178014.2); short protein forms Q403E, Q423E.
Identifiers: ClinVar variation 2012406 (VCV002012406.1), dbSNP rs768935968, ClinGen allele CA354649000.

ClinVar aggregate classification (germline): Uncertain significance (1 of 4 stars; one submission).

Conditions:
Propionic acidemia (PROP). Also called: GLYCINEMIA, KETOTIC; HYPERGLYCINEMIA WITH KETOACIDOSIS AND LEUKOPENIA; KETOTIC HYPERGLYCINEMIA. Identifiers: Orphanet 35, MedGen C0268579, MONDO:0011628, OMIM 606054, HP:0003571.

Submission:

Labcorp Genetics (formerly Invitae), Labcorp
Classification: Uncertain significance for Propionic acidemia. Last evaluated: 2021-11-28. Review status: criteria provided, single submitter. Criteria: Invitae Variant Classification Sherloc (09022015). Collection method: clinical testing. Allele origin: germline.
Comment: This sequence change replaces glutamine, which is neutral and polar, with glutamic acid, which is acidic and polar, at codon 403 of the PCCB protein (p.Gln403Glu). This variant is not present in population databases (gnomAD no frequency). This variant has not been reported in the literature in individuals affected with PCCB-related conditions. Algorithms developed to predict the effect of missense changes on protein structure and function (SIFT, PolyPhen-2, Align-GVGD) all suggest that this variant is likely to be disruptive. In summary, the available evidence is currently insufficient to determine the role of this variant in disease. Therefore, it has been classified as a Variant of Uncertain Significance.